The following is an entry in ClinVar:

ClinVar aggregate classification (germline): Benign/Likely benign. Review status: criteria provided, multiple submitters, no conflicts (2 of 4 stars). 4 submissions from 4 submitters: Benign (2); Likely benign (2). Last evaluated 2026-08-01.

Allele frequency attached by ClinVar (database versions not stated): 1000 Genomes Project 0.00060; 1000 Genomes Project 30x 0.00062; ExAC 0.00206; ESP Exome Variant Server 0.00219; gnomAD exomes 0.00223.
gnomAD v4.1: 5,540 of 1,599,610 alleles (0.35%); highest among the groups gnomAD compares: Non-Finnish European, 0.44%; 11 homozygotes.

Submissions (4):

CeGaT Center for Human Genetics Tuebingen
Classification: Likely benign. Last evaluated: 2026-08-01. Review status: criteria provided, single submitter. Criteria: CeGaT Center For Human Genetics Tuebingen Variant Classification Criteria Version 2. Collection method: clinical testing. Allele origin: germline. Affected: yes. Observed: 3 variant alleles.
Comment: TENM3: BP4, BP7

Labcorp Genetics (formerly Invitae), Labcorp
Classification: Benign. Last evaluated: 2025-12-24. Review status: criteria provided, single submitter. Criteria: Invitae Variant Classification Sherloc (09022015). Collection method: clinical testing. Allele origin: germline.

Blueprint Genetics
Classification: Likely benign. Last evaluated: 2024-11-26. Review status: criteria provided, single submitter. Criteria: ACMG Guidelines, 2015. Collection method: clinical testing. Allele origin: germline.

Breakthrough Genomics
Classification: Benign. Review status: criteria provided, single submitter. Criteria: ACMG Guidelines, 2015. Collection method: not provided. Allele origin: germline. Inheritance: Autosomal recessive inheritance. Affected: yes.

NM_001080477.4(TENM3):c.543C>G (p.Thr181=)

Gene: TENM3 (teneurin transmembrane protein 3; plus strand). Cytogenetic location: 4q35.1.
Variant type: single nucleotide variant.
Coding change: c.543C>G on transcript NM_001080477.4 (MANE Select); coding-DNA position 543, C replaced by G.
Protein change: p.Thr181=; no amino-acid change (threonine 181 retained).
Molecular consequence: synonymous variant.
Genome position (GRCh38, 1-based): chr4:182,600,955, C>G. VCF-style: chr4-182600955-C-G. GRCh37 (hg19) VCF-style: chr4-183522108-C-G.
Identifiers: ClinVar variation 713856 (VCV000713856.34), dbSNP rs190272851, ClinGen allele CA3147457.